The following is an entry in ClinVar:

NM_198859.4(PRICKLE2):c.1804G>A (p.Ala602Thr)

Genes: PRICKLE2 (prickle planar cell polarity protein 2; minus strand), PRICKLE2-AS1 (PRICKLE2 antisense RNA 1; plus strand). Cytogenetic location: 3p14.1.
Variant type: single nucleotide variant.
Coding change: c.1804G>A on transcript NM_198859.4 (MANE Select); coding-DNA position 1804, G replaced by A.
Protein change: p.Ala602Thr; replaces alanine 602 with threonine.
Molecular consequence: missense variant. On other transcripts: non-coding transcript variant (1).
Genome position (GRCh38, 1-based): chr3:64,099,782, C>T on the plus strand (G>A on the coding strand, the complement: PRICKLE2 is on the minus strand). VCF-style: chr3-64099782-C-T. GRCh37 (hg19) VCF-style: chr3-64085458-C-T.
Other names: c.1804G>A, p.Ala602Thr (NM_001370528.1); short protein forms A602T.
Identifiers: ClinVar variation 1385012 (VCV001385012.8), dbSNP rs772970017, ClinGen allele CA2479547.

ClinVar aggregate classification (germline): Uncertain significance (1 of 4 stars; one submission).

Conditions:
Progressive myoclonic epilepsy type 5. Identifiers: Orphanet 402082, MedGen C5190799.

Allele frequency attached by ClinVar (database versions not stated): TOPMed 0.00001; ExAC 0.00002; gnomAD 0.00002.
gnomAD v4.1: 7 of 1,614,070 alleles (0.00043%); highest among the groups gnomAD compares: African/African-American, 0.0027%; no homozygotes.

Submission:

Labcorp Genetics (formerly Invitae), Labcorp
Classification: Uncertain significance for Progressive myoclonic epilepsy type 5. Last evaluated: 2025-05-01. Review status: criteria provided, single submitter. Criteria: Invitae Variant Classification Sherloc (09022015). Collection method: clinical testing. Allele origin: germline.
Comment: This sequence change replaces alanine, which is neutral and non-polar, with threonine, which is neutral and polar, at codon 602 of the PRICKLE2 protein (p.Ala602Thr). This variant is present in population databases (rs772970017, gnomAD 0.008%). This variant has not been reported in the literature in individuals affected with PRICKLE2-related conditions. ClinVar contains an entry for this variant (Variation ID: 1385012). Invitae Evidence Modeling of protein sequence and biophysical properties (such as structural, functional, and spatial information, amino acid conservation, physicochemical variation, residue mobility, and thermodynamic stability) indicates that this missense variant is not expected to disrupt PRICKLE2 protein function with a negative predictive value of 80%. In summary, the available evidence is currently insufficient to determine the role of this variant in disease. Therefore, it has been classified as a Variant of Uncertain Significance.